The following is an entry in ClinVar:

NM_001042492.3(NF1):c.417T>C (p.Ser139=)

Gene: NF1 (neurofibromin 1; plus strand). Cytogenetic location: 17q11.2.
Variant type: single nucleotide variant.
Coding change: c.417T>C on transcript NM_001042492.3 (MANE Select); coding-DNA position 417, T replaced by C.
Protein change: p.Ser139=; no amino-acid change (serine 139 retained).
Molecular consequence: synonymous variant.
Genome position (GRCh38, 1-based): chr17:31,163,314, T>C. VCF-style: chr17-31163314-T-C. GRCh37 (hg19) VCF-style: chr17-29490332-T-C.
Other names: c.417T>C, p.Ser139= (NM_000267.4, NM_001128147.3).
Identifiers: ClinVar variation 233485 (VCV000233485.18), dbSNP rs762434870, ClinGen allele CA8485535.

ClinVar aggregate classification (germline): Likely benign. Review status: criteria provided, multiple submitters, no conflicts (2 of 4 stars). 6 submissions from 6 submitters: Likely benign (5). 1 of the submissions does not count toward it. Last evaluated 2025-08-13.

Conditions:
Hereditary cancer-predisposing syndrome. Also called: Tumor predisposition; Hereditary Cancer Syndrome; Hereditary neoplastic syndrome; Neoplastic Syndromes, Hereditary. Identifiers: Orphanet 140162, MedGen C0027672, MeSH D009386, MONDO:0015356.
Neurofibromatosis, type 1 (NF1). Also called: VON RECKLINGHAUSEN DISEASE; NEUROFIBROMATOSIS, TYPE I, SOMATIC; Peripheral type neurofibromatosis; Neurofibromatosis, type I. Identifiers: Orphanet 636, MedGen C0027831, MONDO:0018975, OMIM 162200. Disease mechanism: loss of function.
NF1-related disorder. Also called: NF1-related condition. Identifiers: MedGen CN379171.

Allele frequency attached by ClinVar (database versions not stated): gnomAD exomes below 0.00001 and 0.00001; gnomAD 0.00001; TOPMed 0.00001; ExAC 0.00002.
gnomAD v4.1: 6 of 1,614,068 alleles (0.00037%); highest among the groups gnomAD compares: Non-Finnish European, 0.00051%; no homozygotes.

Submissions (6):

Labcorp Genetics (formerly Invitae), Labcorp
Classification: Likely benign for Neurofibromatosis, type 1. Last evaluated: 2025-08-13. Review status: criteria provided, single submitter. Criteria: Invitae Variant Classification Sherloc (09022015). Collection method: clinical testing. Allele origin: germline.

Institute for Biomarker Research, Medical Diagnostic Laboratories, L.L.C.
Classification: Likely benign for Hereditary cancer-predisposing syndrome. Last evaluated: 2025-06-30. Review status: criteria provided, single submitter. Criteria: ACMG Guidelines, 2015. Collection method: clinical testing. Allele origin: germline.
Comment: The synonymous variant NM_000267.3(NF1):c.417T>C (p.Ser139=) has been reported to ClinVar as Likely benign with a status of (2 stars) criteria provided, multiple submitters, no conflicts (Variation ID 233485 as of 2025-06-05). The p.Ser139= variant is observed in 2/113,614 (0.0018%) alleles from individuals of gnomAD Non Finnish European background in gnomAD. The p.Ser139= variant is not predicted to disrupt an existing splice site. The p.Ser139= variant results in a substitution of a base that is not predicted conserved by GERP++ and PhyloP. For these reasons, this variant has been classified as Likely Benign.

Genome-Nilou Lab
Classification: Likely benign for Neurofibromatosis, type 1. Last evaluated: 2022-03-15. Review status: criteria provided, single submitter. Criteria: ACMG Guidelines, 2015. Collection method: clinical testing. Allele origin: germline. Affected: no.

Sema4
Classification: Likely benign for Hereditary cancer-predisposing syndrome. Last evaluated: 2021-10-25. Review status: criteria provided, single submitter. Criteria: Sema4 Curation Guidelines. Collection method: curation. Allele origin: germline.

Ambry Genetics
Classification: Likely benign for Hereditary cancer-predisposing syndrome. Last evaluated: 2015-08-20. Review status: criteria provided, single submitter. Criteria: Ambry Autosomal Dominant and X-Linked criteria (10/2015). Collection method: clinical testing. Allele origin: germline. Observed: 1 variant allele.
Comment: Synonymous alterations with insufficient evidence to classify as benign

PreventionGenetics, part of Exact Sciences
Classification: Likely benign for NF1-related condition. Last evaluated: 2020-01-09. Review status: no assertion criteria provided. Collection method: clinical testing. Allele origin: germline. Not counted in ClinVar's aggregate classification.
Comment: This variant is classified as likely benign based on ACMG/AMP sequence variant interpretation guidelines (Richards et al. 2015 PMID: 25741868, with internal and published modifications).